The following is an entry in ClinVar:

ClinVar aggregate classification (germline): Uncertain significance. Review status: criteria provided, multiple submitters, no conflicts (2 of 4 stars). 2 submissions from 2 submitters: Uncertain significance (2). Last evaluated 2025-11-05.

Conditions:
DICER1-related tumor predisposition. Also called: DICER1-related pleuropulmonary blastoma cancer predisposition syndrome; DICER1 syndrome. Identifiers: Orphanet 284343, MedGen C3839822, MONDO:0100216.
Hereditary cancer-predisposing syndrome. Also called: Tumor predisposition; Neoplastic Syndromes, Hereditary; Hereditary Cancer Syndrome; Hereditary neoplastic syndrome. Identifiers: Orphanet 140162, MedGen C0027672, MeSH D009386, MONDO:0015356.

Submissions (2):

Labcorp Genetics (formerly Invitae), Labcorp
Classification: Uncertain significance for DICER1-related tumor predisposition. Last evaluated: 2025-11-05. Review status: criteria provided, single submitter. Criteria: Invitae Variant Classification Sherloc (09022015). Collection method: clinical testing. Allele origin: germline.
Comment: This sequence change replaces leucine, which is neutral and non-polar, with phenylalanine, which is neutral and non-polar, at codon 1318 of the DICER1 protein (p.Leu1318Phe). This variant is not present in population databases (gnomAD no frequency). This variant has not been reported in the literature in individuals affected with DICER1-related conditions. ClinVar contains an entry for this variant (Variation ID: 477171). Invitae Evidence Modeling of protein sequence and biophysical properties (such as structural, functional, and spatial information, amino acid conservation, physicochemical variation, residue mobility, and thermodynamic stability) indicates that this missense variant is not expected to disrupt DICER1 protein function with a negative predictive value of 95%. In summary, the available evidence is currently insufficient to determine the role of this variant in disease. Therefore, it has been classified as a Variant of Uncertain Significance.

Ambry Genetics
Classification: Uncertain significance for Hereditary cancer-predisposing syndrome. Last evaluated: 2023-01-26. Review status: criteria provided, single submitter. Criteria: Ambry Variant Classification Scheme 2023. Collection method: clinical testing. Allele origin: germline.
Comment: The p.L1318F variant (also known as c.3952C>T), located in coding exon 20 of the DICER1 gene, results from a C to T substitution at nucleotide position 3952. The leucine at codon 1318 is replaced by phenylalanine, an amino acid with highly similar properties. This amino acid position is highly conserved in available vertebrate species. In addition, this alteration is predicted to be deleterious by in silico analysis. Since supporting evidence is limited at this time, the clinical significance of this alteration remains unclear.

NM_177438.3(DICER1):c.3952C>T (p.Leu1318Phe)

Gene: DICER1 (dicer 1, ribonuclease III; minus strand). Cytogenetic location: 14q32.13.
Variant type: single nucleotide variant.
Coding change: c.3952C>T on transcript NM_177438.3 (MANE Select); coding-DNA position 3952, C replaced by T.
Protein change: p.Leu1318Phe; replaces leucine 1318 with phenylalanine.
Molecular consequence: missense variant.
Genome position (GRCh38, 1-based): chr14:95,103,444, G>A on the plus strand (C>T on the coding strand, the complement: DICER1 is on the minus strand). VCF-style: chr14-95103444-G-A. GRCh37 (hg19) VCF-style: chr14-95569781-G-A.
Other names: c.3952C>T, p.Leu1318Phe (NM_001195573.1, NM_001271282.3, NM_001291628.2 and 1 more transcripts); short protein forms L1318F.
Identifiers: ClinVar variation 477171 (VCV000477171.12), dbSNP rs1555369315, ClinGen allele CA390873095.